The following is an entry in ClinVar:

ClinVar aggregate classification (germline): Uncertain significance (1 of 4 stars; one submission).

Conditions:
Severe combined immunodeficiency due to DNA-PKcs deficiency. Also called: IMMUNODEFICIENCY 26 WITH NEUROLOGIC ABNORMALITIES; Immunodeficiency 26 with or without neurologic abnormalities. Identifiers: Orphanet 317425, MedGen C4014833, MONDO:0014423, OMIM 615966.

Allele frequency attached by ClinVar (database versions not stated): TOPMed below 0.00001; ExAC 0.00001; gnomAD 0.00001.
gnomAD v4.1: 2 of 1,608,214 alleles (0.00012%); highest among the groups gnomAD compares: African/African-American, 0.0027%; no homozygotes.

Submission:

Labcorp Genetics (formerly Invitae), Labcorp
Classification: Uncertain significance for Severe combined immunodeficiency due to DNA-PKcs deficiency. Last evaluated: 2022-05-17. Review status: criteria provided, single submitter. Criteria: Invitae Variant Classification Sherloc (09022015). Collection method: clinical testing. Allele origin: germline.
Comment: In summary, the available evidence is currently insufficient to determine the role of this variant in disease. Therefore, it has been classified as a Variant of Uncertain Significance. Experimental studies and prediction algorithms are not available or were not evaluated, and the functional significance of this variant is currently unknown. This variant has not been reported in the literature in individuals affected with PRKDC-related conditions. This variant is present in population databases (rs754012679, gnomAD 0.009%). This sequence change replaces leucine, which is neutral and non-polar, with arginine, which is basic and polar, at codon 1531 of the PRKDC protein (p.Leu1531Arg).

NM_006904.7(PRKDC):c.4592T>G (p.Leu1531Arg)

Gene: PRKDC (protein kinase, DNA-activated, catalytic subunit; minus strand). Cytogenetic location: 8q11.21.
Variant type: single nucleotide variant.
Coding change: c.4592T>G on transcript NM_006904.7 (MANE Select); coding-DNA position 4592, T replaced by G.
Protein change: p.Leu1531Arg; replaces leucine 1531 with arginine.
Molecular consequence: missense variant.
Genome position (GRCh38, 1-based): chr8:47,886,128, A>C on the plus strand (T>G on the coding strand, the complement: PRKDC is on the minus strand). VCF-style: chr8-47886128-A-C. GRCh37 (hg19) VCF-style: chr8-48798689-A-C.
Other names: c.4592T>G, p.Leu1531Arg (NM_001081640.2); short protein forms L1531R.
Identifiers: ClinVar variation 1968652 (VCV001968652.5), dbSNP rs754012679, ClinGen allele CA4740850.